The following is an entry in ClinVar:

NM_000092.5(COL4A4):c.4079del (p.Pro1360fs)

Gene: COL4A4 (collagen type IV alpha 4 chain; minus strand). Cytogenetic location: 2q36.3.
Variant type: Deletion.
Coding change: c.4079del on transcript NM_000092.5 (MANE Select); coding-DNA position 4079, one base deleted (C; older notation c.4079delC).
Protein change: p.Pro1360fs; shifts the reading frame from proline 1360.
Molecular consequence: frameshift variant.
Genome position (GRCh38, 1-based): chr2:227,027,904, G deleted on the plus strand (C on the coding strand, the reverse complement: COL4A4 is on the minus strand); the first of 2 consecutive G bases (chr2:227,027,904-227,027,905); deleting either gives the same sequence. VCF-style (leftmost placement, unchanged base first): chr2-227027903-CG-C. GRCh37 (hg19) VCF-style: chr2-227892619-CG-C.
Other names: c.4079del (NM_000092.4); short protein forms P1360fs.
Identifiers: ClinVar variation 1985757 (VCV001985757.7), dbSNP rs1967312678, ClinGen allele CA1043055771.
Genomic context (GRCh38, chr2:227,027,903, plus strand): 5'-AACGATGATCATTTTAGTAAATGTTTAAACAAAATGCTGTATGTAGGTTGGAAGCTCACC[CG>C]GAAGACCAGTGGGCCCTTTTCTCCCTGGAGGTCCAGGTAAACCCTTCTCTCCAGGTGGCC-3'

ClinVar aggregate classification (germline): Pathogenic/Likely pathogenic. Review status: criteria provided, multiple submitters, no conflicts (2 of 4 stars). 3 submissions from 3 submitters: Pathogenic (1); Likely pathogenic (2). Last evaluated 2025-11-02.

Conditions:
Hematuria, benign familial, 1 (BFH1). Also called: THIN MEMBRANE NEPHROPATHY. Identifiers: MedGen CN376803, MONDO:0007709, OMIM 141200.
Autosomal recessive Alport syndrome (ATS2). Also called: COL4A3-Related Nephropathy; Alport syndrome type 2; COL4A4 Alport Syndrome and Thin Basement Membrane Nephropathy; ALPORT SYNDROME 2, AUTOSOMAL RECESSIVE. Identifiers: Orphanet 63, Orphanet 88919, MedGen C4746745, MONDO:0008762, OMIM 203780.
Alport syndrome. Also called: Hemorrhagic familial nephritis; Hemorrhagic hereditary nephritis; Congenital hereditary hematuria. Identifiers: Orphanet 63, MedGen C1567741, MONDO:0018965.

Submissions (3):

Labcorp Genetics (formerly Invitae), Labcorp
Classification: Pathogenic. Last evaluated: 2025-11-02. Review status: criteria provided, single submitter. Criteria: Invitae Variant Classification Sherloc (09022015). Collection method: clinical testing. Allele origin: germline.
Comment: This sequence change creates a premature translational stop signal (p.Pro1360Argfs*28) in the COL4A4 gene. It is expected to result in an absent or disrupted protein product. Loss-of-function variants in COL4A4 are known to be pathogenic (PMID: 21196518, 24854265, 25307543). This variant is not present in population databases (gnomAD no frequency). This variant has not been reported in the literature in individuals affected with COL4A4-related conditions. ClinVar contains an entry for this variant (Variation ID: 1985757). For these reasons, this variant has been classified as Pathogenic.

Natera, Inc.
Classification: Likely pathogenic for Alport syndrome. Last evaluated: 2025-01-28. Review status: criteria provided, single submitter. Criteria: Natera Variant Classification Schema (03/2026). Collection method: clinical testing. Allele origin: germline.
Comment: The c.4079del variant in COL4A4 is a frameshift variant predicted to shift the reading frame beginning at codon 1360 and leads to a stop codon 28 codons downstream. This variant is expected to result in nonsense mediated decay, truncation, or a dysfunctional protein product. This variant is rare in the general population with a frequency below the threshold expected for the associated phenotype(s). Given the available evidence, this variant is classified as Likely Pathogenic.

Fulgent Genetics
Classification: Likely pathogenic for Hematuria, benign familial, 1; Autosomal recessive Alport syndrome. Last evaluated: 2024-05-16. Review status: criteria provided, single submitter. Criteria: ACMG Guidelines, 2015. Collection method: clinical testing. Allele origin: germline.

Literature cited by the submitters: PubMed 21196518 (cited by Labcorp Genetics (formerly Invitae), Labcorp); PubMed 24854265 (cited by Labcorp Genetics (formerly Invitae), Labcorp); PubMed 25307543 (cited by Labcorp Genetics (formerly Invitae), Labcorp).